The following is an entry in ClinVar:

ClinVar aggregate classification (germline): Pathogenic (1 of 4 stars; one submission).

Conditions:
Neurofibromatosis, type 1 (NF1). Also called: VON RECKLINGHAUSEN DISEASE; Peripheral type neurofibromatosis; NEUROFIBROMATOSIS, TYPE I, SOMATIC; Neurofibromatosis, type I. Identifiers: Orphanet 636, MedGen C0027831, MONDO:0018975, OMIM 162200. Disease mechanism: loss of function.

Submission:

Labcorp Genetics (formerly Invitae), Labcorp
Classification: Pathogenic for Neurofibromatosis, type 1. Last evaluated: 2020-06-30. Review status: criteria provided, single submitter. Criteria: Invitae Variant Classification Sherloc (09022015). Collection method: clinical testing. Allele origin: germline.
Comment: For these reasons, this variant has been classified as Pathogenic. Loss-of-function variants in NF1 are known to be pathogenic (PMID: 10712197, 23913538). This variant has not been reported in the literature in individuals with NF1-related conditions. This variant is not present in population databases (ExAC no frequency). This sequence change creates a premature translational stop signal (p.Leu1109Tyrfs*3) in the NF1 gene. It is expected to result in an absent or disrupted protein product.

Literature cited by the submitters: PubMed 10712197; PubMed 23913538.

NM_001042492.3(NF1):c.3326del (p.Leu1109fs)

Gene: NF1 (neurofibromin 1; plus strand). Cytogenetic location: 17q11.2.
Variant type: Deletion.
Coding change: c.3326del on transcript NM_001042492.3 (MANE Select); coding-DNA position 3326, one base deleted (T; older notation c.3326delT).
Protein change: p.Leu1109fs; shifts the reading frame from leucine 1109.
Molecular consequence: frameshift variant.
Genome position (GRCh38, 1-based): chr17:31,232,711, T deleted; the last of 2 consecutive T bases (chr17:31,232,710-31,232,711); deleting either gives the same sequence. VCF-style (leftmost placement, unchanged base first): chr17-31232709-AT-A. GRCh37 (hg19) VCF-style: chr17-29559727-AT-A.
Other names: c.3326delT, p.Leu1109Tyrfs (NM_000267.4); short protein forms L1109fs.
Identifiers: ClinVar variation 1070556 (VCV001070556.5), dbSNP rs2151434465, ClinGen allele CA2499224095.
Genomic context (GRCh38, chr17:31,232,709, plus strand): 5'-TCTAGTTGATACGGCCTTCACTATGTAAAGGTCAGTCTTTTTATTTCTCAGATACTTCAC[AT>A]TATTTATGAACCTTTTGAATGACTGCAGTGAAGTTGAAGATGAAAGTGCGCAAACAGGTG-3'